The following is an entry in ClinVar:

NC_000003.12:g.169765032A>G

Genes: TERC (telomerase RNA component; minus strand), LOC110806306 (telomerase RNA component (TERC) promoter; plus strand). Cytogenetic location: 3q26.2.
Variant type: single nucleotide variant.
Genome position: GRCh38 VCF-style: chr3-169765032-A-G. GRCh37 (hg19) VCF-style: chr3-169482820-A-G.
Identifiers: ClinVar variation 1441792 (VCV001441792.10), dbSNP rs1336050074, ClinGen allele CA436716006.
Genomic context (GRCh38, chr3:169,765,032, plus strand): 5'-GGGAGCAAAAGCACGGCGCCTACGCCCTTCTCAGTTAGGGTTAGACAAAAAATGGCCACC[A>G]CCCCTCCCAGGCCCACCCTCCGCAACCCGGTGCGCTGCCGGGCGAGTCGGCTTATAAAGG-3'

ClinVar aggregate classification (germline): Uncertain significance (1 of 4 stars; one submission).

Conditions:
Dyskeratosis congenita, autosomal dominant 1 (DKCA1). Also called: Dyskeratosis congenita Scoggins type. Identifiers: Orphanet 1775, MedGen C4551974, MONDO:0007485, OMIM 127550. Inheritance: Variable.

Submission:

Labcorp Genetics (formerly Invitae), Labcorp
Classification: Uncertain significance for Dyskeratosis congenita, autosomal dominant 1. Last evaluated: 2022-08-22. Review status: criteria provided, single submitter. Criteria: Invitae Variant Classification Sherloc (09022015). Collection method: clinical testing. Allele origin: germline.
Comment: This variant occurs in the TERC gene, which encodes an RNA molecule that does not result in a protein product. This variant is not present in population databases (gnomAD no frequency). This variant has not been reported in the literature in individuals affected with TERC-related conditions. ClinVar contains an entry for this variant (Variation ID: 1441792). This variant is located at the 5’ end of the TERC RNA component (PMID: 15082312, 21844345). The functional significance of this region is not well understood. In summary, the available evidence is currently insufficient to determine the role of this variant in disease. Therefore, it has been classified as a Variant of Uncertain Significance.

Literature cited by the submitters: PubMed 15082312; PubMed 21844345.